The following is an entry in ClinVar:

NM_006767.4(LZTR1):c.200+4C>T

Gene: LZTR1 (leucine zipper like post translational regulator 1; plus strand). Cytogenetic location: 22q11.21.
Variant type: single nucleotide variant.
Coding change: c.200+4C>T on transcript NM_006767.4 (MANE Select); 4 bases into the intron after coding-DNA position 200, C replaced by T.
Molecular consequence: intron variant.
Genome position (GRCh38, 1-based): chr22:20,982,575, C>T. VCF-style: chr22-20982575-C-T. GRCh37 (hg19) VCF-style: chr22-21336864-C-T.
Other names: c.200+4C>T (NM_006767.3).
Identifiers: ClinVar variation 1463020 (VCV001463020.7), dbSNP rs2147956949, ClinGen allele CA2573157721.

ClinVar aggregate classification (germline): Uncertain significance. Review status: criteria provided, multiple submitters, no conflicts (2 of 4 stars). 2 submissions from 2 submitters: Uncertain significance (2). Last evaluated 2025-09-02.

Conditions:
Cardiovascular phenotype. Identifiers: MedGen CN230736.
Hereditary cancer-predisposing syndrome. Also called: Tumor predisposition; Hereditary neoplastic syndrome; Hereditary Cancer Syndrome; Neoplastic Syndromes, Hereditary. Identifiers: Orphanet 140162, MedGen C0027672, MeSH D009386, MONDO:0015356.

Submissions (2):

Ambry Genetics
Classification: Uncertain significance for Cardiovascular phenotype; Hereditary cancer-predisposing syndrome. Last evaluated: 2025-09-02. Review status: criteria provided, single submitter. Criteria: Ambry Variant Classification Scheme 2023. Collection method: clinical testing. Allele origin: germline.
Comment: The c.200+4C>T intronic variant results from a C to T substitution 4 nucleotides after coding exon 1 in the LZTR1 gene. This nucleotide position is well conserved in available vertebrate species. In silico splice site analysis predicts that this alteration will not have any significant effect on splicing. Based on the available evidence, the clinical significance of this variant remains unclear.

Labcorp Genetics (formerly Invitae), Labcorp
Classification: Uncertain significance. Last evaluated: 2021-04-13. Review status: criteria provided, single submitter. Criteria: Invitae Variant Classification Sherloc (09022015). Collection method: clinical testing. Allele origin: germline.
Comment: In summary, the available evidence is currently insufficient to determine the role of this variant in disease. Therefore, it has been classified as a Variant of Uncertain Significance. Nucleotide substitutions within the consensus splice site are a relatively common cause of aberrant splicing (PMID: 17576681, 9536098). Algorithms developed to predict the effect of sequence changes on RNA splicing suggest that this variant is not likely to affect RNA splicing, but this prediction has not been confirmed by published transcriptional studies. This variant has not been reported in the literature in individuals with LZTR1-related conditions. This variant is not present in population databases (ExAC no frequency). This sequence change falls in intron 1 of the LZTR1 gene. It does not directly change the encoded amino acid sequence of the LZTR1 protein. It affects a nucleotide within the consensus splice site of the intron.

Literature cited by the submitters: PubMed 17576681 (cited by Labcorp Genetics (formerly Invitae), Labcorp); PubMed 9536098 (cited by Labcorp Genetics (formerly Invitae), Labcorp).